The following is an entry in ClinVar:

ClinVar aggregate classification (germline): Uncertain significance (1 of 4 stars; one submission).

Conditions:
Hyperammonemic encephalopathy due to carbonic anhydrase VA deficiency. Also called: Carbonic anhydrase VA deficiency, hyperammonemia due to; Carbonic Anhydrase VA Deficiency. Identifiers: Orphanet 401948, MedGen C4706871, MONDO:0014332, OMIM 615751.

Submission:

Labcorp Genetics (formerly Invitae), Labcorp
Classification: Uncertain significance for Hyperammonemic encephalopathy due to carbonic anhydrase VA deficiency. Last evaluated: 2024-10-29. Review status: criteria provided, single submitter. Criteria: Invitae Variant Classification Sherloc (09022015). Collection method: clinical testing. Allele origin: germline.
Comment: This sequence change replaces alanine, which is neutral and non-polar, with valine, which is neutral and non-polar, at codon 135 of the CA5A protein (p.Ala135Val). This variant is not present in population databases (gnomAD no frequency). This variant has not been reported in the literature in individuals affected with CA5A-related conditions. ClinVar contains an entry for this variant (Variation ID: 1722260). An algorithm developed to predict the effect of missense changes on protein structure and function (PolyPhen-2) suggests that this variant is likely to be disruptive. Algorithms developed to predict the effect of sequence changes on RNA splicing suggest that this variant may disrupt the consensus splice site. In summary, the available evidence is currently insufficient to determine the role of this variant in disease. Therefore, it has been classified as a Variant of Uncertain Significance.

NM_001739.2(CA5A):c.404C>T (p.Ala135Val)

Gene: CA5A (carbonic anhydrase 5A; minus strand). Cytogenetic location: 16q24.2.
Variant type: single nucleotide variant.
Coding change: c.404C>T on transcript NM_001739.2 (MANE Select); coding-DNA position 404, C replaced by T.
Protein change: p.Ala135Val; replaces alanine 135 with valine.
Molecular consequence: missense variant. On other transcripts: non-coding transcript variant (1).
Genome position (GRCh38, 1-based): chr16:87,904,841, G>A on the plus strand (C>T on the coding strand, the complement: CA5A is on the minus strand). VCF-style: chr16-87904841-G-A. GRCh37 (hg19) VCF-style: chr16-87938447-G-A.
Other names: c.404C>T, p.Ala135Val (NM_001367225.1); short protein forms A135V.
Identifiers: ClinVar variation 1722260 (VCV001722260.6), dbSNP rs2143963804, ClinGen allele CA397042392.
Genomic context (GRCh38, chr16:87,904,841, plus strand): 5'-CAAACCTCTGCGGGGTACGCGTGGCCGTCCACTGTGTGCTCTGAGCCCCCCTCGTTCACT[G>A]CTCCCCAGTGGAAGTGAAATTGCTTCAGTCTGTAGTGGTTTTCCAAGGGCCCACCACTAA-3'
Protein context (NP_001730.1, residues 125-145): RLKQFHFHWG[Ala135Val]VNEGGSEHTV